The following is an entry in ClinVar:

NM_000138.5(FBN1):c.4468G>T (p.Glu1490Ter)

Gene: FBN1 (fibrillin 1; minus strand). Cytogenetic location: 15q21.1.
Variant type: single nucleotide variant.
Coding change: c.4468G>T on transcript NM_000138.5 (MANE Select); coding-DNA position 4468, G replaced by T.
Protein change: p.Glu1490Ter; replaces glutamic acid 1490 with a stop codon.
Molecular consequence: nonsense.
Genome position (GRCh38, 1-based): chr15:48,468,526, C>A on the plus strand (G>T on the coding strand, the complement: FBN1 is on the minus strand). VCF-style: chr15-48468526-C-A. GRCh37 (hg19) VCF-style: chr15-48760723-C-A.
Other names: short protein forms E1490*.
Identifiers: ClinVar variation 406348 (VCV000406348.10), dbSNP rs1060501076, ClinGen allele CA16614646.

ClinVar aggregate classification (germline): Pathogenic (1 of 4 stars; one submission).

Conditions:
Marfan syndrome (MFS). Also called: Marfan syndrome, classic; Marfan syndrome type 1; Marfan's syndrome; MARFAN SYNDROME, TYPE I; FBN1-Related Marfan Syndrome. Identifiers: Orphanet 284963, Orphanet 558, MedGen C0024796, MONDO:0007947, OMIM 154700.
Familial thoracic aortic aneurysm and aortic dissection (TAAD). Also called: Thoracic aortic aneurysms and dissections. Identifiers: Orphanet 91387, MedGen C4707243, MONDO:0019625.

Submission:

Labcorp Genetics (formerly Invitae), Labcorp
Classification: Pathogenic for Marfan syndrome; Familial thoracic aortic aneurysm and aortic dissection. Last evaluated: 2016-08-25. Review status: criteria provided, single submitter. Criteria: Invitae Variant Classification Sherloc (09022015). Collection method: clinical testing. Allele origin: germline.
Comment: For these reasons, this variant has been classified as Pathogenic. While this particular variant has not been reported in the literature, loss-of-function variants in FBN1 are known to be pathogenic (PMID: 17657824, 19293843). This sequence change creates a premature translational stop signal at codon 1490 (p.Glu1490*) of the FBN1 gene. It is expected to result in an absent or disrupted protein product.

Literature cited by the submitters: PubMed 17657824; PubMed 19293843.